The following is an entry in ClinVar:

NM_000363.5(TNNI3):c.119A>T (p.Lys40Met)

Gene: TNNI3 (troponin I3, cardiac type; minus strand). Cytogenetic location: 19q13.42.
Variant type: single nucleotide variant.
Coding change: c.119A>T on transcript NM_000363.5 (MANE Select); coding-DNA position 119, A replaced by T.
Protein change: p.Lys40Met; replaces lysine 40 with methionine.
Molecular consequence: missense variant.
Genome position (GRCh38, 1-based): chr19:55,156,634, T>A on the plus strand (A>T on the coding strand, the complement: TNNI3 is on the minus strand). VCF-style: chr19-55156634-T-A. GRCh37 (hg19) VCF-style: chr19-55668002-T-A.
Other names: short protein forms K40M.
Identifiers: ClinVar variation 1746794 (VCV001746794.6), dbSNP rs2515502447, ClinGen allele CA407442468.

ClinVar aggregate classification (germline): Uncertain significance. Review status: criteria provided, multiple submitters, no conflicts (2 of 4 stars). 3 submissions from 3 submitters: Uncertain significance (3). Last evaluated 2026-04-01.

Conditions:
Hypertrophic cardiomyopathy. Also called: HYPERTROPHIC MYOCARDIOPATHY. Identifiers: Orphanet 217569, MedGen C0007194, MeSH D002312, MONDO:0005045, HP:0001639.
TNNI3-related disorder. Also called: TNNI3-related condition; TNNI3-related disorders.
Cardiovascular phenotype. Identifiers: MedGen CN230736.

Allele frequency attached by ClinVar (database versions not stated): gnomAD exomes below 0.00001.

Submissions (3):

PreventionGenetics, part of Exact Sciences
Classification: Uncertain significance for TNNI3-related condition. Last evaluated: 2026-04-01. Review status: criteria provided, single submitter. Criteria: ACMG Guidelines, 2015. Collection method: clinical testing. Allele origin: germline.
Comment: The TNNI3 c.119A>T variant is predicted to result in the amino acid substitution p.Lys40Met. To our knowledge, this variant has not been reported in the literature or in a large population database (gnomAD), indicating this variant is rare. At this time, the clinical significance of this variant is uncertain due to the absence of conclusive functional and genetic evidence.

Labcorp Genetics (formerly Invitae), Labcorp
Classification: Uncertain significance for Hypertrophic cardiomyopathy. Last evaluated: 2025-08-18. Review status: criteria provided, single submitter. Criteria: Invitae Variant Classification Sherloc (09022015). Collection method: clinical testing. Allele origin: germline.
Comment: This sequence change replaces lysine, which is basic and polar, with methionine, which is neutral and non-polar, at codon 40 of the TNNI3 protein (p.Lys40Met). This variant is not present in population databases (gnomAD no frequency). This variant has not been reported in the literature in individuals affected with TNNI3-related conditions. ClinVar contains an entry for this variant (Variation ID: 1746794). An algorithm developed to predict the effect of missense changes on protein structure and function (PolyPhen-2) suggests that this variant is likely to be tolerated. In summary, the available evidence is currently insufficient to determine the role of this variant in disease. Therefore, it has been classified as a Variant of Uncertain Significance.

Ambry Genetics
Classification: Uncertain significance for Cardiovascular phenotype. Last evaluated: 2023-03-27. Review status: criteria provided, single submitter. Criteria: Ambry Variant Classification Scheme 2023. Collection method: clinical testing. Allele origin: germline.
Comment: The p.K40M variant (also known as c.119A>T), located in coding exon 4 of the TNNI3 gene, results from an A to T substitution at nucleotide position 119. The lysine at codon 40 is replaced by methionine, an amino acid with similar properties. This amino acid position is highly conserved in available vertebrate species. In addition, this alteration is predicted to be deleterious by in silico analysis. Since supporting evidence is limited at this time, the clinical significance of this alteration remains unclear.